The following is an entry in ClinVar:

NM_138420.4(AHNAK2):c.8044A>G (p.Met2682Val)

Gene: AHNAK2 (AHNAK nucleoprotein 2; minus strand). Cytogenetic location: 14q32.33.
Variant type: single nucleotide variant.
Coding change: c.8044A>G on transcript NM_138420.4 (MANE Select); coding-DNA position 8044, A replaced by G.
Protein change: p.Met2682Val; replaces methionine 2682 with valine.
Molecular consequence: missense variant.
Genome position (GRCh38, 1-based): chr14:104,947,407, T>C on the plus strand (A>G on the coding strand, the complement: AHNAK2 is on the minus strand). VCF-style: chr14-104947407-T-C. GRCh37 (hg19) VCF-style: chr14-105413744-T-C.
Other names: c.7744A>G, p.Met2582Val (NM_001350929.2); short protein forms M2582V, M2682V.
Identifiers: ClinVar variation 4027605 (VCV004027605.5).

ClinVar aggregate classification (germline): Likely benign. Review status: criteria provided, multiple submitters, no conflicts (2 of 4 stars). 2 submissions from 2 submitters: Likely benign (2). Last evaluated 2026-07-01.

Submissions (2):

CeGaT Center for Human Genetics Tuebingen
Classification: Likely benign. Last evaluated: 2026-07-01. Review status: criteria provided, single submitter. Criteria: CeGaT Center For Human Genetics Tuebingen Variant Classification Criteria Version 2. Collection method: clinical testing. Allele origin: germline. Affected: yes. Observed: 3 variant alleles.
Comment: AHNAK2: BP4

Ambry Genetics
Classification: Likely benign. Last evaluated: 2025-03-22. Review status: criteria provided, single submitter. Criteria: Ambry Variant Classification Scheme 2023. Collection method: clinical testing. Allele origin: germline.